The following is an entry in ClinVar:

ClinVar aggregate classification (germline): Uncertain significance (1 of 4 stars; one submission).

Conditions:
Hydrocephalus, nonsyndromic, autosomal recessive 1 (HYC1). Also called: Congenital hydrocephalus 1; Hydrocephalus, nonsyndromic, autosomal recessive. Identifiers: Orphanet 2185, MedGen C3887608, MONDO:0009360, OMIM 236600.

Submission:

Myriad Genetics, Inc.
Classification: Uncertain significance for Hydrocephalus, nonsyndromic, autosomal recessive 1. Last evaluated: 2025-09-02. Review status: criteria provided, single submitter. Criteria: Myriad Autosomal Dominant, Autosomal Recessive and X-Linked Classification Criteria (2023). Collection method: clinical testing. Allele origin: unknown.
Comment: NM_001080414.3(CCDC88C):c.5917dupT(C1973Lfs*3) is a frameshift variant classified as a variant of uncertain significance in the context of congenital hydrocephalus, CCDC88C-related. C1973Lfs*3 has not been observed in cases with relevant disease. Relevant functional assessments of this variant are not available in the literature. C1973Lfs*3 has not been observed in referenced population frequency databases. In summary, there is insufficient evidence to classify NM_001080414.3(CCDC88C):c.5917dupT(C1973Lfs*3) as pathogenic or benign. Please note: this variant was assessed in the context of healthy population screening.

NM_001080414.4(CCDC88C):c.5917dup (p.Cys1973fs)

Gene: CCDC88C (coiled-coil and HOOK domain protein 88C; minus strand). Cytogenetic location: 14q32.11.
Variant type: Duplication.
Coding change: c.5917dup on transcript NM_001080414.4 (MANE Select); coding-DNA position 5917, one base duplicated (T; older notation c.5917dupT).
Protein change: p.Cys1973fs; shifts the reading frame from cysteine 1973.
Molecular consequence: frameshift variant. On other transcripts: non-coding transcript variant (2).
Genome position (GRCh38, 1-based): chr14:91,272,795, A duplicated on the plus strand (T on the coding strand, the reverse complement: CCDC88C is on the minus strand). VCF-style (leftmost placement, unchanged base first): chr14-91272794-C-CA. GRCh37 (hg19) VCF-style: chr14-91739138-C-CA.
Other names: short protein forms C1973fs.
Identifiers: ClinVar variation 5004143 (VCV005004143.1).
Genomic context (GRCh38, chr14:91,272,794, plus strand): 5'-CCGAGGTGGGGAGCCAAATCGGGAGACCGACCTGGGCTCTTGGCCGGAAGCCCCTCACTG[C>CA]AGCCCTGCCCCGGGACCCCGTCTCCCTCTGAGAGGCTGAGCCCTGCCCGGACAGGGGTGA-3'